The following is an entry in ClinVar:

NM_004612.4(TGFBR1):c.37CTC[4] (p.Leu15_Val16insLeu)

Gene: TGFBR1 (transforming growth factor beta receptor 1; plus strand). Cytogenetic location: 9q22.33.
Variant type: Microsatellite.
Coding change: c.37CTC[4] on transcript NM_004612.4 (MANE Select); four copies in a row of the 3-base unit CTC starting at c.37; the reference has three copies in a row; one copy, 3 bases duplicated.
Protein change: p.Leu15_Val16insLeu.
Molecular consequence: inframe insertion. On other transcripts: inframe indel (6).
Genome position (GRCh38, 1-based): chr9:99,105,248-99,105,250, CTC duplicated; duplicating any 3 consecutive bases within chr9:99,105,242-99,105,250 gives the same sequence; the position shown is the placement nearest the transcript's 3' end. VCF-style (leftmost placement, unchanged base first): chr9-99105241-G-GCTC. GRCh37 (hg19) VCF-style: chr9-101867523-G-GCTC.
Other names: c.37CTC[4], p.Leu15_Val16insLeu (NM_001130916.3, NM_001306210.2); c.37_39CTC[4], p.Leu15_Val16insLeu (NM_001407416.1, NM_001407417.1, NM_001407435.1 and 3 more transcripts); c.-307_-305CTC[4] (NM_001407420.1, NM_001407429.1); c.-276_-274CTC[4] (NM_001407422.1, NM_001407426.1); c.-231_-229CTC[4] (NM_001407428.1).
Identifiers: ClinVar variation 2054060 (VCV002054060.4), dbSNP rs2490932815, ClinGen allele CA2580616263.

ClinVar aggregate classification (germline): Uncertain significance (1 of 4 stars; one submission).

Conditions:
Familial thoracic aortic aneurysm and aortic dissection (TAAD). Also called: Thoracic aortic aneurysms and dissections. Identifiers: Orphanet 91387, MedGen C4707243, MONDO:0019625.

Submission:

Labcorp Genetics (formerly Invitae), Labcorp
Classification: Uncertain significance for Familial thoracic aortic aneurysm and aortic dissection. Last evaluated: 2023-12-11. Review status: criteria provided, single submitter. Criteria: Invitae Variant Classification Sherloc (09022015). Collection method: clinical testing. Allele origin: germline.
Comment: This variant, c.43_45dup, results in the insertion of 1 amino acid(s) of the TGFBR1 protein (p.Leu15dup), but otherwise preserves the integrity of the reading frame. The frequency data for this variant in the population databases is considered unreliable, as metrics indicate insufficient coverage at this position in the gnomAD database. This variant has not been reported in the literature in individuals affected with TGFBR1-related conditions. In summary, the available evidence is currently insufficient to determine the role of this variant in disease. Therefore, it has been classified as a Variant of Uncertain Significance.